The following is an entry in ClinVar:

NM_006922.4(SCN3A):c.1748G>A (p.Arg583Gln)

Gene: SCN3A (sodium voltage-gated channel alpha subunit 3; minus strand). Cytogenetic location: 2q24.3.
Variant type: single nucleotide variant.
Coding change: c.1748G>A on transcript NM_006922.4 (MANE Select); coding-DNA position 1748, G replaced by A.
Protein change: p.Arg583Gln; replaces arginine 583 with glutamine.
Molecular consequence: missense variant.
Genome position (GRCh38, 1-based): chr2:165,140,922, C>T on the plus strand (G>A on the coding strand, the complement: SCN3A is on the minus strand). VCF-style: chr2-165140922-C-T. GRCh37 (hg19) VCF-style: chr2-165997432-C-T.
Other names: c.1748G>A, p.Arg583Gln (NM_001081676.2, NM_001081677.2); short protein forms R583Q.
Identifiers: ClinVar variation 644906 (VCV000644906.13), dbSNP rs774769014, ClinGen allele CA1939087.

ClinVar aggregate classification (germline): Conflicting classifications of pathogenicity. Review status: criteria provided, conflicting classifications (1 of 4 stars). 4 submissions from 4 submitters: Uncertain significance (2); Likely benign (2). Last evaluated 2026-09-01.

Conditions:
Developmental and epileptic encephalopathy, 62. Also called: Early infantile epileptic encephalopathy 62. Identifiers: MedGen C4693699, MONDO:0033371, OMIM 617938.
Inborn genetic diseases. Identifiers: MedGen C0950123, MeSH D030342.

Allele frequency attached by ClinVar (database versions not stated): gnomAD exomes 0.00001 and 0.00002; TOPMed 0.00001; ExAC 0.00002.
gnomAD v4.1: 14 of 1,613,958 alleles (0.00087%); highest among the groups gnomAD compares: East Asian, 0.0089%; no homozygotes.

Submissions (4):

CeGaT Center for Human Genetics Tuebingen
Classification: Uncertain significance. Last evaluated: 2026-09-01. Review status: criteria provided, single submitter. Criteria: CeGaT Center For Human Genetics Tuebingen Variant Classification Criteria Version 2. Collection method: clinical testing. Allele origin: germline. Affected: yes. Observed: 1 variant allele.

Centre for Medical Genetics,  Mumbai
Classification: Likely benign for Developmental and epileptic encephalopathy, 62. Last evaluated: 2026-02-10. Review status: criteria provided, single submitter. Criteria: ACMG Guidelines, 2015. Collection method: provider interpretation. Allele origin: germline. Inheritance: Autosomal dominant inheritance. Affected: yes. Observed: 1 homozygote.
Comment: The variant satisfies PM2 criteria; extremely low frequency in gnomAD population databases. The variant satisfies PP2 criteria; Missense variant in a gene with low rate of benign missense mutations and for which missense mutation is a common mechanism of a disease. The variant satisfies BP6 criteria; Reputable source recently reports variant as benign, but the evidence is not available to the laboratory to perform an independent evaluation. The variant satisfies BS2 criteria; present in homozygous state in an individual that clinically does not have Developmental and epileptic encephalopathy.

Labcorp Genetics (formerly Invitae), Labcorp
Classification: Likely benign. Last evaluated: 2025-11-10. Review status: criteria provided, single submitter. Criteria: Invitae Variant Classification Sherloc (09022015). Collection method: clinical testing. Allele origin: germline.

Ambry Genetics
Classification: Uncertain significance for Inborn genetic diseases. Last evaluated: 2024-09-09. Review status: criteria provided, single submitter. Criteria: Ambry Variant Classification Scheme 2023. Collection method: clinical testing. Allele origin: germline.

Literature cited by the submitters: PubMed 29466837 (cited by Centre for Medical Genetics,  Mumbai).